The following is an entry in ClinVar:

NM_000368.5(TSC1):c.449A>G (p.His150Arg)

Gene: TSC1 (TSC complex subunit 1; minus strand). Cytogenetic location: 9q34.13.
Variant type: single nucleotide variant.
Coding change: c.449A>G on transcript NM_000368.5 (MANE Select); coding-DNA position 449, A replaced by G.
Protein change: p.His150Arg; replaces histidine 150 with arginine.
Molecular consequence: missense variant.
Genome position (GRCh38, 1-based): chr9:132,923,407, T>C on the plus strand (A>G on the coding strand, the complement: TSC1 is on the minus strand). VCF-style: chr9-132923407-T-C. GRCh37 (hg19) VCF-style: chr9-135798794-T-C.
Other names: c.449A>G, p.His150Arg (NM_001162426.2, NM_001406592.1, NM_001406593.1 and 16 more transcripts); c.296A>G, p.His99Arg (NM_001162427.2, NM_001406610.1, NM_001406611.1 and 2 more transcripts); c.86A>G, p.His29Arg (NM_001362177.2, NM_001406614.1, NM_001406615.1 and 10 more transcripts); c.-429A>G (NM_001406628.1, NM_001406626.1, NM_001406627.1); c.-571A>G (NM_001406629.1); c.-645A>G (NM_001406630.1); short protein forms H150R, H29R, H99R.
Identifiers: ClinVar variation 1721444 (VCV001721444.5), dbSNP rs1846675206, ClinGen allele CA375373375.

ClinVar aggregate classification (germline): Uncertain significance (1 of 4 stars; one submission).

Conditions:
Tuberous sclerosis 1 (TSC1). Identifiers: Orphanet 805, MedGen C1854465, MONDO:0008612, OMIM 191100.

Submission:

Labcorp Genetics (formerly Invitae), Labcorp
Classification: Uncertain significance for Tuberous sclerosis 1. Last evaluated: 2025-02-06. Review status: criteria provided, single submitter. Criteria: Invitae Variant Classification Sherloc (09022015). Collection method: clinical testing. Allele origin: germline.
Comment: This sequence change replaces histidine, which is basic and polar, with arginine, which is basic and polar, at codon 150 of the TSC1 protein (p.His150Arg). This variant is not present in population databases (gnomAD no frequency). This variant has not been reported in the literature in individuals affected with TSC1-related conditions. ClinVar contains an entry for this variant (Variation ID: 1721444). Invitae Evidence Modeling of protein sequence and biophysical properties (such as structural, functional, and spatial information, amino acid conservation, physicochemical variation, residue mobility, and thermodynamic stability) indicates that this missense variant is not expected to disrupt TSC1 protein function with a negative predictive value of 95%. In summary, the available evidence is currently insufficient to determine the role of this variant in disease. Therefore, it has been classified as a Variant of Uncertain Significance.